The following is an entry in ClinVar:

ClinVar aggregate classification (germline): Pathogenic/Likely pathogenic. Review status: criteria provided, multiple submitters, no conflicts (2 of 4 stars). 3 submissions from 3 submitters: Pathogenic (1); Likely pathogenic (1). 1 of the submissions does not count toward it. Last evaluated 2023-07-29.

Conditions:
Ellis-van Creveld syndrome (EVC). Also called: EVC2-Related Ellis-van Creveld Syndrome; EVC-Related Ellis-van Creveld Syndrome; MESOECTODERMAL DYSPLASIA; Chondroectodermal dysplasia. Identifiers: Orphanet 289, MedGen C0013903, MONDO:0009162, OMIM 225500.
Curry-Hall syndrome (WAD). Also called: WEYERS ACRODENTAL DYSOSTOSIS. Identifiers: Orphanet 952, MedGen C0457013, MONDO:0008673, OMIM 193530.

Submissions (3):

Labcorp Genetics (formerly Invitae), Labcorp
Classification: Pathogenic for Curry-Hall syndrome; Ellis-van Creveld syndrome. Last evaluated: 2023-07-29. Review status: criteria provided, single submitter. Criteria: Invitae Variant Classification Sherloc (09022015). Collection method: clinical testing. Allele origin: germline.
Comment: For these reasons, this variant has been classified as Pathogenic. ClinVar contains an entry for this variant (Variation ID: 556185). This variant has not been reported in the literature in individuals affected with EVC2-related conditions. This variant is not present in population databases (gnomAD no frequency). This sequence change creates a premature translational stop signal (p.Leu18Serfs*38) in the EVC2 gene. It is expected to result in an absent or disrupted protein product. Loss-of-function variants in EVC2 are known to be pathogenic (PMID: 17024374, 19810119, 19876929).

Kasturba Medical College, Manipal, Kasturba Medical College, Manipal, Manipal Academy of Higher Education, Manipal, India
Classification: Likely pathogenic for Curry-Hall syndrome. Last evaluated: 2019-05-12. Review status: criteria provided, single submitter. Criteria: ACMG Guidelines, 2015. Collection method: clinical testing. Allele origin: de novo. Inheritance: Autosomal dominant inheritance. Affected: yes. Observed: 1 variant allele.

Counsyl
Classification: Likely pathogenic for Ellis-van Creveld syndrome. Last evaluated: 2018-01-17. Review status: no assertion criteria provided. Collection method: clinical testing. Allele origin: unknown. Not counted in ClinVar's aggregate classification.

Literature cited by the submitters: PubMed 17024374 (cited by Labcorp Genetics (formerly Invitae), Labcorp); PubMed 19810119 (cited by Labcorp Genetics (formerly Invitae), Labcorp); PubMed 19876929 (cited by Labcorp Genetics (formerly Invitae), Labcorp).

NM_147127.5(EVC2):c.50dup (p.Leu18fs)

Gene: EVC2 (EvC ciliary complex subunit 2; minus strand). Cytogenetic location: 4p16.2.
Variant type: Duplication.
Coding change: c.50dup on transcript NM_147127.5 (MANE Select); coding-DNA position 50, one base duplicated (G; older notation c.50dupG).
Protein change: p.Leu18fs; shifts the reading frame from leucine 18.
Molecular consequence: frameshift variant. On other transcripts: intron variant (1).
Genome position (GRCh38, 1-based): chr4:5,708,464, C duplicated on the plus strand (G on the coding strand, the reverse complement: EVC2 is on the minus strand); the first of 5 consecutive C bases (chr4:5,708,464-5,708,468); duplicating any one gives the same sequence. VCF-style (leftmost placement, unchanged base first): chr4-5708463-A-AC. GRCh37 (hg19) VCF-style: chr4-5710190-A-AC.
Other names: c.50dupG (NM_147127.4); c.-13+365dup (NM_001166136.2); short protein forms L18fs.
Identifiers: ClinVar variation 556185 (VCV000556185.10), dbSNP rs1553855151, ClinGen allele CA658821185.